The following is an entry in ClinVar:

NM_017807.4(OSGEP):c.632T>C (p.Ile211Thr)

Gene: OSGEP (O-sialoglycoprotein endopeptidase; minus strand). Cytogenetic location: 14q11.2.
Variant type: single nucleotide variant.
Coding change: c.632T>C on transcript NM_017807.4 (MANE Select); coding-DNA position 632, T replaced by C.
Protein change: p.Ile211Thr; replaces isoleucine 211 with threonine.
Molecular consequence: missense variant.
Genome position (GRCh38, 1-based): chr14:20,448,737, A>G on the plus strand (T>C on the coding strand, the complement: OSGEP is on the minus strand). VCF-style: chr14-20448737-A-G. GRCh37 (hg19) VCF-style: chr14-20916896-A-G.
Other names: short protein forms I211T.
Identifiers: ClinVar variation 1419101 (VCV001419101.3), dbSNP rs201706488, ClinGen allele CA7081152.
Genomic context (GRCh38, chr14:20,448,737, plus strand): 5'-GATATGCTTCATTTAAAAAGCATGAAAGTGCCCGTCTCATCACCTCTCACACTCACCTCA[A>G]TGAAAGACAGGATCCCTGAGAATGAGACGTCCATCCCCTTTACAGTGTATGGCAGCTCAA-3'
Protein context (NP_060277.1, residues 201-221): DVSFSGILSF[Ile211Thr]EDVAHRMLAT

ClinVar aggregate classification (germline): Uncertain significance (1 of 4 stars; one submission).

Allele frequency attached by ClinVar (database versions not stated): gnomAD exomes 0.00005 and 0.00010; ExAC 0.00007; ESP Exome Variant Server 0.00008; gnomAD 0.00009; TOPMed 0.00013.
gnomAD v4.1: 97 of 1,610,234 alleles (0.006%); highest among the groups gnomAD compares: South Asian, 0.0022%; no homozygotes.

Submission:

Labcorp Genetics (formerly Invitae), Labcorp
Classification: Uncertain significance. Last evaluated: 2022-09-12. Review status: criteria provided, single submitter. Criteria: Invitae Variant Classification Sherloc (09022015). Collection method: clinical testing. Allele origin: germline.
Comment: This sequence change replaces isoleucine, which is neutral and non-polar, with threonine, which is neutral and polar, at codon 211 of the OSGEP protein (p.Ile211Thr). This variant is present in population databases (rs201706488, gnomAD 0.2%). This variant has not been reported in the literature in individuals affected with OSGEP-related conditions. ClinVar contains an entry for this variant (Variation ID: 1419101). Advanced modeling of protein sequence and biophysical properties (such as structural, functional, and spatial information, amino acid conservation, physicochemical variation, residue mobility, and thermodynamic stability) performed at Invitae indicates that this missense variant is not expected to disrupt OSGEP protein function. In summary, the available evidence is currently insufficient to determine the role of this variant in disease. Therefore, it has been classified as a Variant of Uncertain Significance.